The following is an entry in ClinVar:

NM_206933.4(USH2A):c.11635G>T (p.Gly3879Trp)

Gene: USH2A (usherin; minus strand). Cytogenetic location: 1q41.
Variant type: single nucleotide variant.
Coding change: c.11635G>T on transcript NM_206933.4 (MANE Select); coding-DNA position 11635, G replaced by T.
Protein change: p.Gly3879Trp; replaces glycine 3879 with tryptophan.
Molecular consequence: missense variant.
Genome position (GRCh38, 1-based): chr1:215,741,451, C>A on the plus strand (G>T on the coding strand, the complement: USH2A is on the minus strand). VCF-style: chr1-215741451-C-A. GRCh37 (hg19) VCF-style: chr1-215914793-C-A.
Other names: short protein forms G3879W.
Identifiers: ClinVar variation 4774726 (VCV004774726.1).
Genomic context (GRCh38, chr1:215,741,451, plus strand): 5'-TGATGATGATTCCATTTGGTTTTTCAGGTGGCATCCACTTAATCTCTATGCAAGCTGACC[C>A]CAGTGCCTTAAGAACAGGAGAATTAAGATCCATTGGGGCTGCTTCAGGTGTTTTGACAAA-3'
Protein context (NP_996816.3, residues 3869-3889): DLNSPVLKAL[Gly3879Trp]SACIEIKWMP

ClinVar aggregate classification (germline): Uncertain significance (1 of 4 stars; one submission).

Submission:

Labcorp Genetics (formerly Invitae), Labcorp
Classification: Uncertain significance. Last evaluated: 2025-01-30. Review status: criteria provided, single submitter. Criteria: Invitae Variant Classification Sherloc (09022015). Collection method: clinical testing. Allele origin: germline.
Comment: This sequence change replaces glycine, which is neutral and non-polar, with tryptophan, which is neutral and slightly polar, at codon 3879 of the USH2A protein (p.Gly3879Trp). This variant is not present in population databases (gnomAD no frequency). This variant has not been reported in the literature in individuals affected with USH2A-related conditions. Invitae Evidence Modeling of protein sequence and biophysical properties (such as structural, functional, and spatial information, amino acid conservation, physicochemical variation, residue mobility, and thermodynamic stability) indicates that this missense variant is expected to disrupt USH2A protein function with a positive predictive value of 95%. In summary, the available evidence is currently insufficient to determine the role of this variant in disease. Therefore, it has been classified as a Variant of Uncertain Significance.